The following is an entry in ClinVar:

ClinVar aggregate classification (germline): Conflicting classifications of pathogenicity. Review status: criteria provided, conflicting classifications (1 of 4 stars). 10 submissions from 9 submitters: Uncertain significance (7); Benign (1); Likely benign (2). Last evaluated 2026-01-30.

Conditions:
NOTCH1-related disorder. Also called: NOTCH1-related condition; NOTCH1-related disorders.
Adams-Oliver syndrome 5 (AOS5). Identifiers: Orphanet 974, MedGen C4014970, MONDO:0014459, OMIM 616028.
Aortic valve disease 1 (AOVD1). Identifiers: MedGen C3887892, MONDO:0024523, OMIM 109730.
Familial thoracic aortic aneurysm and aortic dissection (TAAD). Also called: Thoracic aortic aneurysms and dissections. Identifiers: Orphanet 91387, MedGen C4707243, MONDO:0019625.

Allele frequency attached by ClinVar (database versions not stated): TOPMed 0.00002; gnomAD 0.00003; ExAC 0.00004; gnomAD exomes 0.00005.

Submissions (10):

PreventionGenetics, part of Exact Sciences
Classification: Uncertain significance for NOTCH1-related condition. Last evaluated: 2026-01-30. Review status: criteria provided, single submitter. Criteria: ACMG Guidelines, 2015. Collection method: clinical testing. Allele origin: germline.
Comment: The NOTCH1 c.3341G>A variant is predicted to result in the amino acid substitution p.Arg1114His. To our knowledge, this variant has not been reported in the literature. This variant is reported in 0.029% of alleles in individuals of South Asian descent in gnomAD. At this time, the clinical significance of this variant is uncertain due to the absence of conclusive functional and genetic evidence.

Labcorp Genetics (formerly Invitae), Labcorp
Classification: Benign for Adams-Oliver syndrome 5. Last evaluated: 2025-12-30. Review status: criteria provided, single submitter. Criteria: Invitae Variant Classification Sherloc (09022015). Collection method: clinical testing. Allele origin: germline.

Mayo Clinic Laboratories, Mayo Clinic
Classification: Uncertain significance. Last evaluated: 2025-02-12. Review status: criteria provided, single submitter. Criteria: ACMG Guidelines, 2015. Collection method: clinical testing. Allele origin: germline. Observed: 1 variant allele.
Comment: BP4

GeneDx
Classification: Uncertain significance. Last evaluated: 2023-08-23. Review status: criteria provided, single submitter. Criteria: GeneDx Variant Classification Process June 2021. Collection method: clinical testing. Allele origin: germline. Affected: yes.
Comment: Has not been previously published as pathogenic or benign to our knowledge; In silico analysis supports that this missense variant does not alter protein structure/function; This variant is associated with the following publications: (PMID: 26776195)

Blueprint Genetics
Classification: Likely benign. Last evaluated: 2022-12-12. Review status: criteria provided, single submitter. Criteria: ACMG Guidelines, 2015. Collection method: clinical testing. Allele origin: germline.

Department of Pathology and Laboratory Medicine, Sinai Health System
Classification: Likely benign for Aortic valve disease 1; Adams-Oliver syndrome 5. Last evaluated: 2022-06-29. Review status: criteria provided, single submitter. Criteria: ACMG Guidelines, 2015. Collection method: research. Allele origin: germline.

Fulgent Genetics
Classification: Uncertain significance for Aortic valve disease 1; Adams-Oliver syndrome 5. Last evaluated: 2022-05-20. Review status: criteria provided, single submitter. Criteria: ACMG Guidelines, 2015. Collection method: clinical testing. Allele origin: unknown.

Genome-Nilou Lab
Classification: Uncertain significance for Adams-Oliver syndrome 5. Last evaluated: 2022-03-15. Review status: criteria provided, single submitter. Criteria: ACMG Guidelines, 2015. Collection method: clinical testing. Allele origin: germline. Affected: no.

Genome-Nilou Lab
Classification: Uncertain significance for Aortic valve disease 1. Last evaluated: 2022-03-15. Review status: criteria provided, single submitter. Criteria: ACMG Guidelines, 2015. Collection method: clinical testing. Allele origin: germline. Affected: no.

CHEO Genetics Diagnostic Laboratory, Children's Hospital of Eastern Ontario
Classification: Uncertain significance for Familial thoracic aortic aneurysm and aortic dissection. Last evaluated: 2020-01-29. Review status: criteria provided, single submitter. Criteria: ACMG Guidelines, 2015. Collection method: clinical testing. Allele origin: germline.

NM_017617.5(NOTCH1):c.3341G>A (p.Arg1114His)

Gene: NOTCH1 (notch receptor 1; minus strand). Cytogenetic location: 9q34.3.
Variant type: single nucleotide variant.
Coding change: c.3341G>A on transcript NM_017617.5 (MANE Select); coding-DNA position 3341, G replaced by A.
Protein change: p.Arg1114His; replaces arginine 1114 with histidine.
Molecular consequence: missense variant.
Genome position (GRCh38, 1-based): chr9:136,508,124, C>T on the plus strand (G>A on the coding strand, the complement: NOTCH1 is on the minus strand). VCF-style: chr9-136508124-C-T. GRCh37 (hg19) VCF-style: chr9-139402576-C-T.
Other names: p.Arg1114His; c.3341G>A, p.Arg1114His (LRG_1122t1); c.3341G>A (NM_017617.4); short protein forms R1114H.
Identifiers: ClinVar variation 452700 (VCV000452700.24), dbSNP rs777684045, ClinGen allele CA5340951.
Genomic context (GRCh38, chr9:136,508,124, plus strand): 5'-TGGCAGCGGCAGTGGTGCGTGTTGCCCGCGTCCACACAGAGCCCTCCATGCTGGCACAGG[C>T]GGGCAACGTCAACACCTGCGGGGGATGGGGTGGTAGACAGGTGAGGCCCAGGCCCACAGA-3'
Protein context (NP_060087.3, residues 1104-1124): AAQRQGVDVA[Arg1114His]LCQHGGLCVD